The following is an entry in ClinVar:

ClinVar aggregate classification (germline): Uncertain significance (1 of 4 stars; one submission).

Submission:

Labcorp Genetics (formerly Invitae), Labcorp
Classification: Uncertain significance. Last evaluated: 2022-07-11. Review status: criteria provided, single submitter. Criteria: Invitae Variant Classification Sherloc (09022015). Collection method: clinical testing. Allele origin: germline.
Comment: In summary, the available evidence is currently insufficient to determine the role of this variant in disease. Therefore, it has been classified as a Variant of Uncertain Significance. Algorithms developed to predict the effect of sequence changes on RNA splicing suggest that this variant may create or strengthen a splice site. Algorithms developed to predict the effect of missense changes on protein structure and function are either unavailable or do not agree on the potential impact of this missense change (SIFT: "Deleterious"; PolyPhen-2: "Benign"; Align-GVGD: "Class C0"). ClinVar contains an entry for this variant (Variation ID: 1504397). This variant has not been reported in the literature in individuals affected with GPR179-related conditions. This variant is not present in population databases (gnomAD no frequency). This sequence change replaces alanine, which is neutral and non-polar, with valine, which is neutral and non-polar, at codon 1771 of the GPR179 protein (p.Ala1771Val).

NM_001004334.4(GPR179):c.5312C>T (p.Ala1771Val)

Gene: GPR179 (G protein-coupled receptor 179; minus strand). Cytogenetic location: 17q12.
Variant type: single nucleotide variant.
Coding change: c.5312C>T on transcript NM_001004334.4 (MANE Select); coding-DNA position 5312, C replaced by T.
Protein change: p.Ala1771Val; replaces alanine 1771 with valine.
Molecular consequence: missense variant.
Genome position (GRCh38, 1-based): chr17:38,328,257, G>A on the plus strand (C>T on the coding strand, the complement: GPR179 is on the minus strand). VCF-style: chr17-38328257-G-A. GRCh37 (hg19) VCF-style: chr17-36484140-G-A.
Other names: short protein forms A1771V.
Identifiers: ClinVar variation 1504397 (VCV001504397.6), dbSNP rs1567722479, ClinGen allele CA398872486.